The following is an entry in ClinVar:

ClinVar aggregate classification (germline): Uncertain significance (1 of 4 stars; one submission).

Submission:

Greenwood Genetic Center Diagnostic Laboratories, Greenwood Genetic Center
Classification: Uncertain significance. Last evaluated: 2026-06-23. Review status: criteria provided, single submitter. Criteria: ACMG Guidelines, 2015. Collection method: clinical testing. Allele origin: germline.
Comment: Gene of Uncertain Significance

NM_001167856.3(SBNO1):c.1849G>C (p.Ala617Pro)

Gene: SBNO1 (strawberry notch homolog 1; minus strand). Cytogenetic location: 12q24.31.
Variant type: single nucleotide variant.
Coding change: c.1849G>C on transcript NM_001167856.3 (MANE Select); coding-DNA position 1849, G replaced by C.
Protein change: p.Ala617Pro; replaces alanine 617 with proline.
Molecular consequence: missense variant.
Genome position (GRCh38, 1-based): chr12:123,326,178, C>G on the plus strand (G>C on the coding strand, the complement: SBNO1 is on the minus strand). VCF-style: chr12-123326178-C-G. GRCh37 (hg19) VCF-style: chr12-123810725-C-G.
Other names: c.1846G>C, p.Ala616Pro (NM_018183.5); short protein forms A616P, A617P.
Identifiers: ClinVar variation 4891172 (VCV004891172.1).